The following is an entry in ClinVar:

ClinVar aggregate classification (germline): Uncertain significance. Review status: criteria provided, multiple submitters, no conflicts (2 of 4 stars). 3 submissions from 3 submitters: Uncertain significance (3). Last evaluated 2025-07-07.

Conditions:
Hypotonia, infantile, with psychomotor retardation and characteristic facies 2 (IHPRF2). Also called: UNC80 Deficiency. Identifiers: Orphanet 371364, Orphanet 700333, MedGen C4225203, MONDO:0014777, OMIM 616801.

Allele frequency attached by ClinVar (database versions not stated): gnomAD exomes 0.00004 and 0.00009; ExAC 0.00005; TOPMed 0.00005; gnomAD 0.00001.
gnomAD v4.1: 56 of 1,551,592 alleles (0.0036%); highest among the groups gnomAD compares: East Asian, 0.027%; no homozygotes.

Submissions (3):

Women's Health and Genetics/Laboratory Corporation of America, LabCorp
Classification: Uncertain significance. Last evaluated: 2025-07-07. Review status: criteria provided, single submitter. Criteria: LabCorp Variant Classification Summary - May 2015. Collection method: clinical testing. Allele origin: germline.
Comment: Variant summary: UNC80 c.1465C>T (p.Arg489Cys) results in a non-conservative amino acid change in the encoded protein sequence. Algorithms developed to predict the effect of missense changes on protein structure and function are either unavailable or do not agree on the potential impact of this missense change. The variant allele was found at a frequency of 8.9e-05 in 157004 control chromosomes (gnomAD). This frequency is not significantly higher than estimated for a pathogenic variant in UNC80 causing Infantile Hypotonia With Psychomotor Retardation And Characteristic Facies 2, allowing no conclusion about variant significance. c.1465C>T has been observed in one individual affected with neurodevelopmental disorder (Stessman_2017). The report does not provide unequivocal conclusions about association of the variant with Infantile Hypotonia With Psychomotor Retardation And Characteristic Facies 2. To our knowledge, no experimental evidence demonstrating an impact on protein function has been reported. The following publication have been ascertained in the context of this evaluation (PMID: 28191889). ClinVar contains an entry for this variant (Variation ID: 1403266). Based on the evidence outlined above, the variant was classified as uncertain significance.

Labcorp Genetics (formerly Invitae), Labcorp
Classification: Uncertain significance. Last evaluated: 2023-10-03. Review status: criteria provided, single submitter. Criteria: Invitae Variant Classification Sherloc (09022015). Collection method: clinical testing. Allele origin: germline.
Comment: This sequence change replaces arginine, which is basic and polar, with cysteine, which is neutral and slightly polar, at codon 489 of the UNC80 protein (p.Arg489Cys). This variant is present in population databases (rs773432779, gnomAD 0.05%). This variant has not been reported in the literature in individuals affected with UNC80-related conditions. ClinVar contains an entry for this variant (Variation ID: 1403266). Algorithms developed to predict the effect of missense changes on protein structure and function output the following: SIFT: "Not Available"; PolyPhen-2: "Probably Damaging"; Align-GVGD: "Not Available". The cysteine amino acid residue is found in multiple mammalian species, which suggests that this missense change does not adversely affect protein function. In summary, the available evidence is currently insufficient to determine the role of this variant in disease. Therefore, it has been classified as a Variant of Uncertain Significance.

Fulgent Genetics
Classification: Uncertain significance for Hypotonia, infantile, with psychomotor retardation and characteristic facies 2. Last evaluated: 2022-05-04. Review status: criteria provided, single submitter. Criteria: ACMG Guidelines, 2015. Collection method: clinical testing. Allele origin: unknown.

Literature cited by the submitters: PubMed 28191889 (cited by Women's Health and Genetics/Laboratory Corporation of America, LabCorp).

NM_001371986.1(UNC80):c.1465C>T (p.Arg489Cys)

Gene: UNC80 (unc-80 subunit of NALCN channel complex; plus strand). Cytogenetic location: 2q34.
Variant type: single nucleotide variant.
Coding change: c.1465C>T on transcript NM_001371986.1 (MANE Select); coding-DNA position 1465, C replaced by T.
Protein change: p.Arg489Cys; replaces arginine 489 with cysteine.
Molecular consequence: missense variant.
Genome position (GRCh38, 1-based): chr2:209,817,038, C>T. VCF-style: chr2-209817038-C-T. GRCh37 (hg19) VCF-style: chr2-210681762-C-T.
Other names: c.1465C>T, p.Arg489Cys (NM_032504.2, NM_182587.4); short protein forms R489C.
Identifiers: ClinVar variation 1403266 (VCV001403266.8), dbSNP rs773432779, ClinGen allele CA2082937.